The following is an entry in ClinVar:

NM_006642.5(SDCCAG8):c.1830G>A (p.Leu610=)

Gene: SDCCAG8 (SHH signaling and ciliogenesis regulator SDCCAG8; plus strand). Cytogenetic location: 1q43.
Variant type: single nucleotide variant.
Coding change: c.1830G>A on transcript NM_006642.5 (MANE Select); coding-DNA position 1830, G replaced by A.
Protein change: p.Leu610=; no amino-acid change (leucine 610 retained).
Molecular consequence: synonymous variant.
Genome position (GRCh38, 1-based): chr1:243,418,053, G>A. VCF-style: chr1-243418053-G-A. GRCh37 (hg19) VCF-style: chr1-243581355-G-A.
Other names: c.927G>A, p.Leu309= (NM_001350246.2, NM_001350247.2, NM_001350251.2); c.1926G>A, p.Leu642= (NM_001350248.2); c.1536G>A, p.Leu512= (NM_001350249.2).
Identifiers: ClinVar variation 3051325 (VCV003051325.2), dbSNP rs1026708651, ClinGen allele CA41008787.

ClinVar aggregate classification (germline): Likely benign (0 of 4 stars; one submission).

Conditions:
SDCCAG8-related disorder. Also called: SDCCAG8-related condition; SDCCAG8-Related Disorders.

Allele frequency attached by ClinVar (database versions not stated): gnomAD exomes below 0.00001; gnomAD 0.00001; TOPMed 0.00001.
gnomAD v4.1: 2 of 1,612,150 alleles (0.00012%); highest among the groups gnomAD compares: African/African-American, 0.0027%; no homozygotes.

Submission:

PreventionGenetics, part of Exact Sciences
Classification: Likely benign for SDCCAG8-related condition. Last evaluated: 2020-02-11. Review status: no assertion criteria provided. Collection method: clinical testing. Allele origin: germline.
Comment: This variant is classified as likely benign based on ACMG/AMP sequence variant interpretation guidelines (Richards et al. 2015 PMID: 25741868, with internal and published modifications).